The following is an entry in ClinVar:

GRCh37/hg19 8q24.3(chr8:140893978-141050020)x3

Genes: C8orf17 (chromosome 8 putative open reading frame 17; plus strand), TRAPPC9 (trafficking protein particle complex subunit 9; minus strand). Cytogenetic location: 8q24.3.
Variant type: copy number gain.
Change: copy number 3 (three copies instead of two) of chr8:140,893,978-141,050,020 (156.0 kb, GRCh37 coordinates, 1-based), cytogenetic band 8q24.3.
Identifiers: ClinVar variation 617593 (VCV000617593.3).

ClinVar aggregate classification (germline): Uncertain significance (0 of 4 stars; one submission).

Submission:

Institute of Human Genetics, University of Goettingen
Classification: Uncertain significance. Last evaluated: 2018-08-03. Review status: no assertion criteria provided. Collection method: clinical testing. Allele origin: unknown. Affected: yes. Observed: 1 variant allele.
Comment: one small duplication of exon 1 of the TRAPPC9 gene was described in a patient with moderate ID, muscular hypotonia, gait disturbance, EEG abnormalities and cerebral atrophy (Reuter et al., JAMA Psychiatry 74(3):293-299, 2017); this duplication was assessed as VUS, because this patient MR333 also showed a nonsense mutation in a novel gene (CLMN) --> only listed in suppl. tables